The following is an entry in ClinVar:

ClinVar aggregate classification (germline): Uncertain significance (1 of 4 stars; one submission).

Submission:

Ambry Genetics
Classification: Uncertain significance. Last evaluated: 2023-04-28. Review status: criteria provided, single submitter. Criteria: Ambry Variant Classification Scheme 2023. Collection method: clinical testing. Allele origin: germline.
Comment: The p.A118S variant (also known as c.352G>T), located in coding exon 4 of the BUB1 gene, results from a G to T substitution at nucleotide position 352. The alanine at codon 118 is replaced by serine, an amino acid with similar properties. This amino acid position is conserved. In addition, the in silico prediction for this alteration is inconclusive. Since supporting evidence is limited at this time, the clinical significance of this alteration remains unclear.

NM_004336.5(BUB1):c.352G>T (p.Ala118Ser)

Gene: BUB1 (BUB1 mitotic checkpoint serine/threonine kinase; minus strand). Cytogenetic location: 2q13.
Variant type: single nucleotide variant.
Coding change: c.352G>T on transcript NM_004336.5 (MANE Select); coding-DNA position 352, G replaced by T.
Protein change: p.Ala118Ser; replaces alanine 118 with serine.
Molecular consequence: missense variant.
Genome position (GRCh38, 1-based): chr2:110,672,731, C>A on the plus strand (G>T on the coding strand, the complement: BUB1 is on the minus strand). VCF-style: chr2-110672731-C-A. GRCh37 (hg19) VCF-style: chr2-111430308-C-A.
Other names: c.292G>T, p.Ala98Ser (NM_001278616.2); c.352G>T, p.Ala118Ser (NM_001278617.2); short protein forms A118S, A98S.
Identifiers: ClinVar variation 2565800 (VCV002565800.2), dbSNP rs2468035848, ClinGen allele CA348220478.